The following is an entry in ClinVar:

NM_004855.5(PIGB):c.807_808delinsT (p.Leu269fs)

Gene: PIGB (phosphatidylinositol glycan anchor biosynthesis class B; plus strand). Cytogenetic location: 15q21.3.
Variant type: Indel.
Coding change: c.807_808delinsT on transcript NM_004855.5 (MANE Select); coding-DNA positions 807 to 808, GA replaced by T.
Protein change: p.Leu269fs; shifts the reading frame from leucine 269.
Molecular consequence: frameshift variant.
Genome position (GRCh38, 1-based): chr15:55,339,279-55,339,280, GA replaced by T. VCF-style: chr15-55339279-GA-T. GRCh37 (hg19) VCF-style: chr15-55631477-GA-T.
Other names: short protein forms L269fs.
Identifiers: ClinVar variation 5042026 (VCV005042026.1).
Genomic context (GRCh38, chr15:55,339,279, plus strand): 5'-TTTCAGCAAGCTCCAAATGTGAATCACTATGCTATTTTTGTTTTTCAGCTTTGTTACTTT[GA>T]GTTTGTCTCTGATGATTGATCGTATTTTTTTTGGCCAAGTAAGTAAAAGTATATTAAGCT-3'

ClinVar aggregate classification (germline): Pathogenic (1 of 4 stars; one submission).

Conditions:
Developmental and epileptic encephalopathy, 80. Also called: EPILEPTIC ENCEPHALOPATHY, EARLY INFANTILE, 80; GLYCOSYLPHOSPHATIDYLINOSITOL BIOSYNTHESIS DEFECT 20. Identifiers: MedGen C5231418, MONDO:0032822, OMIM 618580.

Submission:

Clinical Genetics Laboratory, University Hospital Schleswig-Holstein
Classification: Pathogenic for Developmental and epileptic encephalopathy, 80. Last evaluated: 2025-03-04. Review status: criteria provided, single submitter. Criteria: ACMG Guidelines, 2015. Collection method: clinical testing. Allele origin: germline. Affected: yes. Observed: 1 heterozygote.
Comment: ACMG criteria applied: PM2, PVS1